The following is an entry in ClinVar:

ClinVar aggregate classification (germline): Conflicting classifications of pathogenicity. Review status: criteria provided, conflicting classifications (1 of 4 stars). 2 submissions from 2 submitters: Uncertain significance (1); Benign (1). Last evaluated 2025-02-21.

Conditions:
Breast-ovarian cancer, familial, susceptibility to, 4. Identifiers: Orphanet 145, MedGen C3280345, MONDO:0013669, OMIM 614291.

Submissions (2):

Myriad Genetics, Inc.
Classification: Benign for Breast-ovarian cancer, familial, susceptibility to, 4. Last evaluated: 2025-02-21. Review status: criteria provided, single submitter. Criteria: Myriad Autosomal Dominant, Autosomal Recessive and X-Linked Classification Criteria (2023). Collection method: clinical testing. Allele origin: unknown.
Comment: This variant is considered benign. This variant is a silent/synonymous amino acid change and it is not expected to impact splicing.

Baylor Genetics
Classification: Uncertain significance for Breast-ovarian cancer, familial, susceptibility to, 4. Last evaluated: 2023-11-20. Review status: criteria provided, single submitter. Criteria: ACMG Guidelines, 2015. Collection method: clinical testing. Allele origin: unknown.

NM_002878.4(RAD51D):c.336C>T (p.Gly112=)

Genes: RAD51D (RAD51 paralog D; minus strand), RAD51L3-RFFL (RAD51L3-RFFL readthrough; minus strand). Cytogenetic location: 17q12.
Variant type: single nucleotide variant.
Coding change: c.336C>T on transcript NM_002878.4 (MANE Select); coding-DNA position 336, C replaced by T.
Protein change: p.Gly112=; no amino-acid change (glycine 112 retained).
Molecular consequence: synonymous variant. On other transcripts: non-coding transcript variant (2), intron variant (1).
Genome position (GRCh38, 1-based): chr17:35,107,375, G>A on the plus strand (C>T on the coding strand, the complement: RAD51D is on the minus strand). VCF-style: chr17-35107375-G-A. GRCh37 (hg19) VCF-style: chr17-33434394-G-A.
Other names: c.396C>T, p.Gly132= (NM_001142571.2); c.145-894C>T (NM_133629.3).
Identifiers: ClinVar variation 3240260 (VCV003240260.2), dbSNP rs2142436504.